The following is an entry in ClinVar:

NM_144997.7(FLCN):c.61T>C (p.Cys21Arg)

Gene: FLCN (folliculin; minus strand). Cytogenetic location: 17p11.2.
Variant type: single nucleotide variant.
Coding change: c.61T>C on transcript NM_144997.7 (MANE Select); coding-DNA position 61, T replaced by C.
Protein change: p.Cys21Arg; replaces cysteine 21 with arginine.
Molecular consequence: missense variant.
Genome position (GRCh38, 1-based): chr17:17,228,077, A>G on the plus strand (T>C on the coding strand, the complement: FLCN is on the minus strand). VCF-style: chr17-17228077-A-G. GRCh37 (hg19) VCF-style: chr17-17131391-A-G.
Other names: c.61T>C, p.Cys21Arg (NM_001353229.2, NM_001353230.2, NM_001353231.2 and 1 more transcripts); short protein forms C21R.
Identifiers: ClinVar variation 1988399 (VCV001988399.5), dbSNP rs2544313713, ClinGen allele CA398535408.

ClinVar aggregate classification (germline): Uncertain significance. Review status: criteria provided, multiple submitters, no conflicts (2 of 4 stars). 2 submissions from 2 submitters: Uncertain significance (2). Last evaluated 2024-05-06.

Conditions:
Birt-Hogg-Dube syndrome. Also called: Birt Hogg Dubé syndrome. Identifiers: Orphanet 122, MedGen C0346010, MONDO:0800444.

Allele frequency attached by ClinVar (database versions not stated): gnomAD exomes below 0.00001.
gnomAD v4.1: 2 of 1,613,660 alleles (0.00012%); highest among the groups gnomAD compares: Non-Finnish European, 0.00017%; no homozygotes.

Submissions (2):

Labcorp Genetics (formerly Invitae), Labcorp
Classification: Uncertain significance for Birt-Hogg-Dube syndrome. Last evaluated: 2024-05-06. Review status: criteria provided, single submitter. Criteria: Invitae Variant Classification Sherloc (09022015). Collection method: clinical testing. Allele origin: germline.
Comment: This sequence change replaces cysteine, which is neutral and slightly polar, with arginine, which is basic and polar, at codon 21 of the FLCN protein (p.Cys21Arg). This variant is not present in population databases (gnomAD no frequency). This variant has not been reported in the literature in individuals affected with FLCN-related conditions. ClinVar contains an entry for this variant (Variation ID: 1988399). Advanced modeling of protein sequence and biophysical properties (such as structural, functional, and spatial information, amino acid conservation, physicochemical variation, residue mobility, and thermodynamic stability) performed at Invitae indicates that this missense variant is expected to disrupt FLCN protein function with a positive predictive value of 80%. In summary, the available evidence is currently insufficient to determine the role of this variant in disease. Therefore, it has been classified as a Variant of Uncertain Significance.

GeneDx
Classification: Uncertain significance. Last evaluated: 2023-02-23. Review status: criteria provided, single submitter. Criteria: GeneDx Variant Classification Process June 2021. Collection method: clinical testing. Allele origin: germline. Affected: yes.
Comment: Not observed at significant frequency in large population cohorts (gnomAD); In silico analysis supports that this missense variant has a deleterious effect on protein structure/function; Has not been previously published as pathogenic or benign to our knowledge